The following is an entry in ClinVar:

NM_004984.4(KIF5A):c.2726C>T (p.Ser909Leu)

Gene: KIF5A (kinesin family member 5A; plus strand). Cytogenetic location: 12q13.3.
Variant type: single nucleotide variant.
Coding change: c.2726C>T on transcript NM_004984.4 (MANE Select); coding-DNA position 2726, C replaced by T.
Protein change: p.Ser909Leu; replaces serine 909 with leucine.
Molecular consequence: missense variant.
Genome position (GRCh38, 1-based): chr12:57,581,143, C>T. VCF-style: chr12-57581143-C-T. GRCh37 (hg19) VCF-style: chr12-57974926-C-T.
Other names: p.Ser909Leu; c.2459C>T, p.Ser820Leu (NM_001354705.2); short protein forms S909L, S820L.
Identifiers: ClinVar variation 1965572 (VCV001965572.7), dbSNP rs267603613, ClinGen allele CA237790938.

ClinVar aggregate classification (germline): Uncertain significance. Review status: criteria provided, multiple submitters, no conflicts (2 of 4 stars). 3 submissions from 3 submitters: Uncertain significance (3). Last evaluated 2025-11-15.

Conditions:
Spastic paraplegia. Identifiers: MedGen C0037772, HP:0001258.
Inborn genetic diseases. Identifiers: MedGen C0950123, MeSH D030342.

Allele frequency attached by ClinVar (database versions not stated): gnomAD exomes 0.00001; gnomAD 0.00002; TOPMed 0.00005.
gnomAD v4.1: 19 of 1,613,838 alleles (0.0012%); highest among the groups gnomAD compares: Admixed American, 0.01%; no homozygotes.

Submissions (3):

Labcorp Genetics (formerly Invitae), Labcorp
Classification: Uncertain significance for Spastic paraplegia. Last evaluated: 2025-11-15. Review status: criteria provided, single submitter. Criteria: Invitae Variant Classification Sherloc (09022015). Collection method: clinical testing. Allele origin: germline.
Comment: This sequence change replaces serine, which is neutral and polar, with leucine, which is neutral and non-polar, at codon 909 of the KIF5A protein (p.Ser909Leu). This variant is not present in population databases (gnomAD no frequency). This variant has not been reported in the literature in individuals affected with KIF5A-related conditions. ClinVar contains an entry for this variant (Variation ID: 1965572). Invitae Evidence Modeling of protein sequence and biophysical properties (such as structural, functional, and spatial information, amino acid conservation, physicochemical variation, residue mobility, and thermodynamic stability) indicates that this missense variant is not expected to disrupt KIF5A protein function with a negative predictive value of 95%. In summary, the available evidence is currently insufficient to determine the role of this variant in disease. Therefore, it has been classified as a Variant of Uncertain Significance.

Mayo Clinic Laboratories, Mayo Clinic
Classification: Uncertain significance. Last evaluated: 2025-10-31. Review status: criteria provided, single submitter. Criteria: ACMG Guidelines, 2015. Collection method: clinical testing. Allele origin: germline. Observed: 1 variant allele.
Comment: BP4

Ambry Genetics
Classification: Uncertain significance for Inborn genetic diseases. Last evaluated: 2025-01-23. Review status: criteria provided, single submitter. Criteria: Ambry Variant Classification Scheme 2023. Collection method: clinical testing. Allele origin: germline.